The following is an entry in ClinVar:

NM_001429.4(EP300):c.2998-2dup

Genes: EP300 (E1A binding protein p300; plus strand), LOC126863158 (BRD4-independent group 4 enhancer GRCh37_chr22:41547383-41548582; plus strand). Cytogenetic location: 22q13.2.
Variant type: Duplication.
Coding change: c.2998-2dup on transcript NM_001429.4 (MANE Select); the canonical splice acceptor site of the intron before coding-DNA position 2998, one base duplicated (A; older notation c.2998-2dupA).
Molecular consequence: splice acceptor variant.
Genome position (GRCh38, 1-based): chr22:41,152,204, A duplicated. VCF-style (leftmost placement, unchanged base first): chr22-41152203-T-TA. GRCh37 (hg19) VCF-style: chr22-41548207-T-TA.
Other names: c.2920-2dup (NM_001362843.2).
Identifiers: ClinVar variation 3346646 (VCV003346646.1).

ClinVar aggregate classification (germline): Uncertain significance (0 of 4 stars; one submission).

Conditions:
EP300-related disorder. Also called: EP300-related condition; EP300-related disorders.

Submission:

PreventionGenetics, part of Exact Sciences
Classification: Uncertain significance for EP300-related condition. Last evaluated: 2024-06-19. Review status: no assertion criteria provided. Collection method: clinical testing. Allele origin: germline.
Comment: The EP300 c.2998-2dupA variant is predicted to result in an intronic duplication. To our knowledge, this variant has not been reported in the literature or in a large population database, indicating this variant is rare. At this time, the clinical significance of this variant is uncertain due to the absence of conclusive functional and genetic evidence.